The following is an entry in ClinVar:

ClinVar aggregate classification (germline): Pathogenic (1 of 4 stars; one submission).

Conditions:
Seizures, benign familial infantile, 3 (BFIS3). Also called: Familial neonatal seizures; CONVULSIONS, BENIGN FAMILIAL INFANTILE, 3. Identifiers: Orphanet 140927, Orphanet 306, MedGen C1843140, MONDO:0011904, OMIM 607745.
Developmental and epileptic encephalopathy, 11 (DEE11). Also called: Early infantile epileptic encephalopathy 11. Identifiers: Orphanet 1934, MedGen C3150987, MONDO:0013388, OMIM 613721.

Submission:

Labcorp Genetics (formerly Invitae), Labcorp
Classification: Pathogenic for Seizures, benign familial infantile, 3; Developmental and epileptic encephalopathy, 11. Last evaluated: 2024-10-30. Review status: criteria provided, single submitter. Criteria: Invitae Variant Classification Sherloc (09022015). Collection method: clinical testing. Allele origin: germline.
Comment: This sequence change replaces isoleucine, which is neutral and non-polar, with serine, which is neutral and polar, at codon 1596 of the SCN2A protein (p.Ile1596Ser). This variant is not present in population databases (gnomAD no frequency). This missense change has been observed in individual(s) with benign familial neonatal-infantile seizures (PMID: 17386050). It has also been observed to segregate with disease in related individuals. ClinVar contains an entry for this variant (Variation ID: 1074301). Invitae Evidence Modeling of protein sequence and biophysical properties (such as structural, functional, and spatial information, amino acid conservation, physicochemical variation, residue mobility, and thermodynamic stability) indicates that this missense variant is expected to disrupt SCN2A protein function with a positive predictive value of 95%. For these reasons, this variant has been classified as Pathogenic.

Literature cited by the submitters: PubMed 17386050.

NM_001040142.2(SCN2A):c.4787T>G (p.Ile1596Ser)

Gene: SCN2A (sodium voltage-gated channel alpha subunit 2; plus strand). Cytogenetic location: 2q24.3.
Variant type: single nucleotide variant.
Coding change: c.4787T>G on transcript NM_001040142.2 (MANE Select); coding-DNA position 4787, T replaced by G.
Protein change: p.Ile1596Ser; replaces isoleucine 1596 with serine.
Molecular consequence: missense variant.
Genome position (GRCh38, 1-based): chr2:165,386,981, T>G. VCF-style: chr2-165386981-T-G. GRCh37 (hg19) VCF-style: chr2-166243491-T-G.
Other names: c.4787T>G, p.Ile1596Ser (NM_001040143.2, NM_001371246.1, NM_001371247.1 and 1 more transcripts); short protein forms I1596S.
Identifiers: ClinVar variation 1074301 (VCV001074301.9), dbSNP rs2105398613, ClinGen allele CA349036859.
Genomic context (GRCh38, chr2:165,386,981, plus strand): 5'-GAGAATGTGTGCTGAAACTGATCTCTCTTCGTTACTACTATTTCACTATTGGATGGAATA[T>G]TTTTGATTTTGTGGTGGTCATTCTCTCCATTGTAGGTAAGAAGAGGTGCTTTTATTCAGT-3'
Protein context (NP_001035232.1, residues 1586-1606): RYYYFTIGWN[Ile1596Ser]FDFVVVILSI